The following is an entry in ClinVar:

ClinVar aggregate classification (germline): Pathogenic. Review status: criteria provided, multiple submitters, no conflicts (2 of 4 stars). 2 submissions from 2 submitters: Pathogenic (2). Last evaluated 2023-06-07.

Conditions:
Familial cancer of breast. Also called: hereditary breast carcinoma; BREAST CANCER, FAMILIAL; Hereditary breast cancer. Identifiers: Orphanet 227535, MedGen C0346153, MONDO:0016419, OMIM 114480. Disease mechanism: loss of function.
Fanconi anemia complementation group J. Also called: BRIP1-Related Fanconi Anemia. Identifiers: Orphanet 84, MedGen C1836860, MONDO:0012187, OMIM 609054.

Submissions (2):

Myriad Genetics, Inc.
Classification: Pathogenic for Familial cancer of breast. Last evaluated: 2023-06-07. Review status: criteria provided, single submitter. Criteria: Myriad Autosomal Dominant, Autosomal Recessive and X-Linked Classification Criteria (2023). Collection method: clinical testing. Allele origin: unknown.
Comment: This variant is considered pathogenic. This variant creates a frameshift predicted to result in premature protein truncation.

Labcorp Genetics (formerly Invitae), Labcorp
Classification: Pathogenic for Familial cancer of breast; Fanconi anemia complementation group J. Last evaluated: 2019-06-28. Review status: criteria provided, single submitter. Criteria: Invitae Variant Classification Sherloc (09022015). Collection method: clinical testing. Allele origin: germline.
Comment: For these reasons, this variant has been classified as Pathogenic. Loss-of-function variants in BRIP1 are known to be pathogenic (PMID: 16116423, 17033622, 21964575). This variant has not been reported in the literature in individuals with BRIP1-related conditions. This variant is not present in population databases (ExAC no frequency). This sequence change creates a premature translational stop signal (p.Lys897Argfs*15) in the BRIP1 gene. It is expected to result in an absent or disrupted protein product.

Literature cited by the submitters: PubMed 16116423 (cited by Labcorp Genetics (formerly Invitae), Labcorp); PubMed 17033622 (cited by Labcorp Genetics (formerly Invitae), Labcorp); PubMed 21964575 (cited by Labcorp Genetics (formerly Invitae), Labcorp).

NM_032043.3(BRIP1):c.2690del (p.Lys897fs)

Gene: BRIP1 (BRCA1 interacting DNA helicase 1; minus strand). Cytogenetic location: 17q23.2.
Variant type: Deletion.
Coding change: c.2690del on transcript NM_032043.3 (MANE Select); coding-DNA position 2690, one base deleted (A; older notation c.2690delA).
Protein change: p.Lys897fs; shifts the reading frame from lysine 897.
Molecular consequence: frameshift variant.
Genome position (GRCh38, 1-based): chr17:61,686,051, T deleted on the plus strand (A on the coding strand, the reverse complement: BRIP1 is on the minus strand); the first of 3 consecutive T bases (chr17:61,686,051-61,686,053); deleting any one gives the same sequence. VCF-style (leftmost placement, unchanged base first): chr17-61686050-CT-C. GRCh37 (hg19) VCF-style: chr17-59763411-CT-C.
Other names: short protein forms K897fs.
Identifiers: ClinVar variation 935767 (VCV000935767.10), dbSNP rs2061358219, ClinGen allele CA1139665747.